The following is an entry in ClinVar:

ClinVar aggregate classification (germline): Uncertain significance. Review status: criteria provided, multiple submitters, no conflicts (2 of 4 stars). 3 submissions from 3 submitters: Uncertain significance (3). Last evaluated 2021-09-16.

Conditions:
Intellectual developmental disorder, autosomal recessive 14. Also called: Intellectual disability, autosomal recessive 14. Identifiers: Orphanet 88616, MedGen C3151462, MONDO:0013528, OMIM 614020.

Allele frequency attached by ClinVar (database versions not stated): TOPMed 0.00002; gnomAD exomes 0.00007 and 0.00001; ExAC 0.00010.
gnomAD v4.1: 19 of 1,614,058 alleles (0.0012%); highest among the groups gnomAD compares: Admixed American, 0.032%; no homozygotes.

Submissions (3):

Ambry Genetics
Classification: Uncertain significance. Last evaluated: 2021-09-16. Review status: criteria provided, single submitter. Criteria: Ambry Variant Classification Scheme 2023. Collection method: clinical testing. Allele origin: germline.

Baylor Genetics
Classification: Uncertain significance for Intellectual developmental disorder, autosomal recessive 14. Last evaluated: 2018-12-24. Review status: criteria provided, single submitter. Criteria: ACMG Guidelines, 2015. Collection method: clinical testing. Allele origin: unknown. Affected: yes.
Comment: This variant was determined to be of uncertain significance according to ACMG Guidelines, 2015 [PMID:25741868].

Center for Pediatric Genomic Medicine, Children's Mercy Hospital and Clinics
Classification: Uncertain significance. Last evaluated: 2016-08-05. Review status: criteria provided, single submitter. Criteria: ACMG Guidelines, 2015. Collection method: clinical testing. Allele origin: germline.
ClinVar note: Converted during submission from Uncertain Significance to Uncertain significance.

NM_138501.6(TECR):c.262G>T (p.Val88Leu)

Gene: TECR (trans-2,3-enoyl-CoA reductase; plus strand). Cytogenetic location: 19p13.12.
Variant type: single nucleotide variant.
Coding change: c.262G>T on transcript NM_138501.6 (MANE Select); coding-DNA position 262, G replaced by T.
Protein change: p.Val88Leu; replaces valine 88 with leucine.
Molecular consequence: missense variant.
Genome position (GRCh38, 1-based): chr19:14,563,898, G>T. VCF-style: chr19-14563898-G-T. GRCh37 (hg19) VCF-style: chr19-14674710-G-T.
Other names: c.307G>T, p.Val103Leu (NM_001321170.1); short protein forms V88L, V103L.
Identifiers: ClinVar variation 376921 (VCV000376921.7), dbSNP rs753690636, ClinGen allele CA9255075.
Genomic context (GRCh38, chr19:14,563,898, plus strand): 5'-CTGCCCGTGGGCACCACGGCCACACTGTACTTCCGGGACCTGGGGGCCCAGATCAGCTGG[G>T]TGACGGTGAGTCCTGACCCTACCCACGGCCTCTTTTCCCGTCAGCCACGTTGGGTGACTC-3'
Protein context (NP_612510.1, residues 78-98): FRDLGAQISW[Val88Leu]TVFLTEYAGP